The following is an entry in ClinVar:

NM_006267.5(RANBP2):c.1865T>A (p.Ile622Asn)

Gene: RANBP2 (RAN binding protein 2; plus strand). Cytogenetic location: 2q13.
Variant type: single nucleotide variant.
Coding change: c.1865T>A on transcript NM_006267.5 (MANE Select); coding-DNA position 1865, T replaced by A.
Protein change: p.Ile622Asn; replaces isoleucine 622 with asparagine.
Molecular consequence: missense variant.
Genome position (GRCh38, 1-based): chr2:108,753,107, T>A. VCF-style: chr2-108753107-T-A. GRCh37 (hg19) VCF-style: chr2-109369563-T-A.
Other names: short protein forms I622N.
Identifiers: ClinVar variation 1037198 (VCV001037198.5), dbSNP rs768578328, ClinGen allele CA1822458.

ClinVar aggregate classification (germline): Uncertain significance (1 of 4 stars; one submission).

Conditions:
Familial acute necrotizing encephalopathy (IIAE3). Also called: ENCEPHALOPATHY, ACUTE, INFECTION-INDUCED, SUSCEPTIBILITY TO, 3; Susceptibility to Acute Necrotizing Encephalopathy 1. Identifiers: Orphanet 88619, MedGen C2675556, MONDO:0011953, OMIM 608033.

Allele frequency attached by ClinVar (database versions not stated): gnomAD exomes below 0.00001 and 0.00001; ExAC 0.00001.
gnomAD v4.1: 3 of 1,610,524 alleles (0.00019%); highest among the groups gnomAD compares: Admixed American, 0.0033%; no homozygotes.

Submission:

Labcorp Genetics (formerly Invitae), Labcorp
Classification: Uncertain significance for Familial acute necrotizing encephalopathy. Last evaluated: 2026-01-31. Review status: criteria provided, single submitter. Criteria: Invitae Variant Classification Sherloc (09022015). Collection method: clinical testing. Allele origin: germline.
Comment: This sequence change replaces isoleucine, which is neutral and non-polar, with asparagine, which is neutral and polar, at codon 622 of the RANBP2 protein (p.Ile622Asn). This variant is present in population databases (rs768578328, gnomAD 0.01%). This variant has not been reported in the literature in individuals affected with RANBP2-related conditions. ClinVar contains an entry for this variant (Variation ID: 1037198). An algorithm developed to predict the effect of missense changes on protein structure and function (PolyPhen-2) suggests that this variant is likely to be tolerated. In summary, the available evidence is currently insufficient to determine the role of this variant in disease. Therefore, it has been classified as a Variant of Uncertain Significance.